The following is an entry in ClinVar:

NM_001378778.1(MPDZ):c.4993G>A (p.Ala1665Thr)

Gene: MPDZ (multiple PDZ domain crumbs cell polarity complex component; minus strand). Cytogenetic location: 9p23.
Variant type: single nucleotide variant.
Coding change: c.4993G>A on transcript NM_001378778.1 (MANE Select); coding-DNA position 4993, G replaced by A.
Protein change: p.Ala1665Thr; replaces alanine 1665 with threonine.
Molecular consequence: missense variant.
Genome position (GRCh38, 1-based): chr9:13,122,131, C>T on the plus strand (G>A on the coding strand, the complement: MPDZ is on the minus strand). VCF-style: chr9-13122131-C-T. GRCh37 (hg19) VCF-style: chr9-13122130-C-T.
Other names: c.4894G>A, p.Ala1632Thr (NM_001261406.2, NM_001261407.2, NM_001375416.1 and 3 more transcripts); c.4993G>A, p.Ala1665Thr (NM_001330637.2, NM_003829.5); c.5092G>A, p.Ala1698Thr (NM_001375413.1); c.4783G>A, p.Ala1595Thr (NM_001375420.1, NM_001375421.1, NM_001375422.1 and 4 more transcripts); c.4585G>A, p.Ala1529Thr (NM_001375427.1); short protein forms A1632T, A1529T, A1698T, A1595T, A1665T.
Identifiers: ClinVar variation 1424393 (VCV001424393.5), dbSNP rs779435226, ClinGen allele CA4986487.

ClinVar aggregate classification (germline): Uncertain significance (1 of 4 stars; one submission).

Allele frequency attached by ClinVar (database versions not stated): gnomAD 0.00005; TOPMed 0.00004; ExAC 0.00004.
gnomAD v4.1: 26 of 1,613,914 alleles (0.0016%); highest among the groups gnomAD compares: Admixed American, 0.01%; no homozygotes.

Submission:

Labcorp Genetics (formerly Invitae), Labcorp
Classification: Uncertain significance. Last evaluated: 2022-08-19. Review status: criteria provided, single submitter. Criteria: Invitae Variant Classification Sherloc (09022015). Collection method: clinical testing. Allele origin: germline.
Comment: This variant is present in population databases (rs779435226, gnomAD 0.01%). This sequence change replaces alanine, which is neutral and non-polar, with threonine, which is neutral and polar, at codon 1665 of the MPDZ protein (p.Ala1665Thr). This variant has not been reported in the literature in individuals affected with MPDZ-related conditions. In summary, the available evidence is currently insufficient to determine the role of this variant in disease. Therefore, it has been classified as a Variant of Uncertain Significance. Algorithms developed to predict the effect of missense changes on protein structure and function (SIFT, PolyPhen-2, Align-GVGD) all suggest that this variant is likely to be disruptive. ClinVar contains an entry for this variant (Variation ID: 1424393).